The following is an entry in ClinVar:

ClinVar aggregate classification (germline): Uncertain significance (1 of 4 stars; one submission).

Conditions:
Dilated cardiomyopathy 1O (CMD1O). Also called: CARDIOMYOPATHY, DILATED, WITH VENTRICULAR TACHYCARDIA. Identifiers: Orphanet 154, MedGen C1837839, MONDO:0012062, OMIM 608569.

Submission:

Labcorp Genetics (formerly Invitae), Labcorp
Classification: Uncertain significance for Dilated cardiomyopathy 1O. Last evaluated: 2023-10-23. Review status: criteria provided, single submitter. Criteria: Invitae Variant Classification Sherloc (09022015). Collection method: clinical testing. Allele origin: germline.
Comment: This sequence change replaces leucine, which is neutral and non-polar, with proline, which is neutral and non-polar, at codon 526 of the ABCC9 protein (p.Leu526Pro). This variant is not present in population databases (gnomAD no frequency). This variant has not been reported in the literature in individuals affected with ABCC9-related conditions. Advanced modeling of protein sequence and biophysical properties (such as structural, functional, and spatial information, amino acid conservation, physicochemical variation, residue mobility, and thermodynamic stability) has been performed at Invitae for this missense variant, however the output from this modeling did not meet the statistical confidence thresholds required to predict the impact of this variant on ABCC9 protein function. In summary, the available evidence is currently insufficient to determine the role of this variant in disease. Therefore, it has been classified as a Variant of Uncertain Significance.

NM_020297.4(ABCC9):c.1577T>C (p.Leu526Pro)

Gene: ABCC9 (ATP binding cassette subfamily C member 9; minus strand). Cytogenetic location: 12p12.1.
Variant type: single nucleotide variant.
Coding change: c.1577T>C on transcript NM_020297.4 (MANE Select); coding-DNA position 1577, T replaced by C.
Protein change: p.Leu526Pro; replaces leucine 526 with proline.
Molecular consequence: missense variant.
Genome position (GRCh38, 1-based): chr12:21,906,167, A>G on the plus strand (T>C on the coding strand, the complement: ABCC9 is on the minus strand). VCF-style: chr12-21906167-A-G. GRCh37 (hg19) VCF-style: chr12-22059101-A-G.
Other names: c.1577T>C, p.Leu526Pro (NM_001377273.1, NM_005691.4); c.713T>C, p.Leu238Pro (NM_001377274.1); short protein forms L238P, L526P.
Identifiers: ClinVar variation 2771182 (VCV002771182.3), dbSNP rs1555112333, ClinGen allele CA384139093.